The following is an entry in ClinVar:

NM_001754.5(RUNX1):c.1085C>T (p.Ser362Leu)

Gene: RUNX1 (RUNX family transcription factor 1; minus strand). Cytogenetic location: 21q22.12.
Variant type: single nucleotide variant.
Coding change: c.1085C>T on transcript NM_001754.5 (MANE Select); coding-DNA position 1085, C replaced by T.
Protein change: p.Ser362Leu; replaces serine 362 with leucine.
Molecular consequence: missense variant.
Genome position (GRCh38, 1-based): chr21:34,792,493, G>A on the plus strand (C>T on the coding strand, the complement: RUNX1 is on the minus strand). VCF-style: chr21-34792493-G-A. GRCh37 (hg19) VCF-style: chr21-36164790-G-A.
Other names: NM_001754.5(RUNX1):c.1085C>T; p.Ser362Leu; c.1004C>T, p.Ser335Leu (NM_001001890.3); short protein forms S362L, S335L.
Identifiers: ClinVar variation 2008544 (VCV002008544.5), dbSNP rs1456340235, ClinGen allele CA410148181.
Genomic context (GRCh38, chr21:34,792,493, plus strand): 5'-GGCAGGTAGGTGTGGTAGCGCGTGGCCGAGCCCATGGCCGACATGCCGATGCCGATGCCC[G>A]AGGTGACCGGCGTCGGGGAGTAGGTGAAGGCGCCTGGATAGTGCATGCGGGGGTCGGAGA-3'
Protein context (NP_001745.2, residues 352-372): AFTYSPTPVT[Ser362Leu]GIGIGMSAMG

ClinVar aggregate classification (germline): Uncertain significance. Review status: reviewed by expert panel (3 of 4 stars). 2 submissions from 2 submitters: Uncertain significance (1). 1 of the submissions does not count toward it. Last evaluated 2024-08-01.

Conditions:
Hereditary thrombocytopenia and hematological cancer predisposition syndrome associated with RUNX1. Also called: Familial Platelet Disorder with Propensity to Acute Myelogenous Leukemia; Familial thrombocytopenia with propensity to acute myelogenous leukemia; PLATELET DISORDER, ASPIRIN-LIKE; RUNX1 Familial Platelet Disorder with Associated Myeloid Malignancies. Identifiers: Orphanet 71290, MedGen C1832388, MeSH C563324, MONDO:0100083, OMIM 601399.
Hereditary thrombocytopenia and hematologic cancer predisposition syndrome. Identifiers: Orphanet 71290, MedGen CN281654, MONDO:0011071.

Allele frequency attached by ClinVar (database versions not stated): gnomAD exomes below 0.00001.
gnomAD v4.1: 1 of 1,595,724 alleles (0.000063%); highest among the groups gnomAD compares: Non-Finnish European, 0.000085%; no homozygotes.

Submissions (2):

ClinGen Myeloid Malignancy Variant Curation Expert Panel
Classification: Uncertain significance for Hereditary thrombocytopenia and hematologic cancer predisposition syndrome. Last evaluated: 2024-08-01. Review status: reviewed by expert panel. Criteria: ClinGen MyeloMalig ACMG Specifications v2. Collection method: curation. Allele origin: germline. Inheritance: Autosomal dominant inheritance.
Comment: NM_001754.5(RUNX1):c.1085C>T (p.Ser362Leu) is a missense variant which has a REVEL score <0.50 (0.223) (BP4). This variant is completely absent from all population databases (gnomAD v2.1.1 and v3.1.2) with at least 20x coverage for RUNX1 (PM2_supporting). In summary, the clinical significance of this variant is uncertain. ACMG/AMP criteria applied, as specified by the Myeloid Malignancy Variant Curation Expert Panel for RUNX1: BP4, PM2_supporting.

Labcorp Genetics (formerly Invitae), Labcorp
Classification: Uncertain significance for Hereditary thrombocytopenia and hematological cancer predisposition syndrome associated with RUNX1. Last evaluated: 2022-06-19. Review status: criteria provided, single submitter. Criteria: Invitae Variant Classification Sherloc (09022015). Collection method: clinical testing. Allele origin: germline. Not counted in ClinVar's aggregate classification.
Comment: This variant has not been reported in the literature in individuals affected with RUNX1-related conditions. In summary, the available evidence is currently insufficient to determine the role of this variant in disease. Therefore, it has been classified as a Variant of Uncertain Significance. Algorithms developed to predict the effect of missense changes on protein structure and function (SIFT, PolyPhen-2, Align-GVGD) all suggest that this variant is likely to be tolerated. This variant is not present in population databases (gnomAD no frequency). This sequence change replaces serine, which is neutral and polar, with leucine, which is neutral and non-polar, at codon 362 of the RUNX1 protein (p.Ser362Leu).